The following is an entry in ClinVar:

NM_006901.4(MYO9A):c.449A>G (p.Asp150Gly)

Gene: MYO9A (myosin IXA; minus strand). Cytogenetic location: 15q23.
Variant type: single nucleotide variant.
Coding change: c.449A>G on transcript NM_006901.4 (MANE Select); coding-DNA position 449, A replaced by G.
Protein change: p.Asp150Gly; replaces aspartic acid 150 with glycine.
Molecular consequence: missense variant.
Genome position (GRCh38, 1-based): chr15:72,046,115, T>C on the plus strand (A>G on the coding strand, the complement: MYO9A is on the minus strand). VCF-style: chr15-72046115-T-C. GRCh37 (hg19) VCF-style: chr15-72338456-T-C.
Other names: short protein forms D150G.
Identifiers: ClinVar variation 5005455 (VCV005005455.2).

ClinVar aggregate classification (germline): Uncertain significance (1 of 4 stars; one submission).

Conditions:
Myasthenic syndrome, congenital, 24, presynaptic. Identifiers: MedGen C4748684, MONDO:0032597, OMIM 618198.

Submission:

Juno Genomics, Hangzhou Juno Genomics, Inc
Classification: Uncertain significance for Myasthenic syndrome, congenital, 24, presynaptic. Review status: criteria provided, single submitter. Criteria: ACMG Guidelines, 2015. Collection method: clinical testing. Allele origin: germline.
Comment: Absent from controls (or at extremely low frequency if recessive) in Genome Aggregation Database.;Multiple lines of computational evidence support a deleterious effect on the gene or gene product.